The following is an entry in ClinVar:

ClinVar aggregate classification (germline): Uncertain significance (1 of 4 stars; one submission).

Conditions:
POLD1-related polyposis and colorectal cancer syndrome (CRCS10). Also called: COLORECTAL CANCER, SUSCEPTIBILITY TO, ON CHROMOSOME 19q; Colorectal cancer 10; Colorectal cancer, susceptibility to, 10. Identifiers: Orphanet 220460, MedGen C2675481, MONDO:0012953, OMIM 612591.

Submission:

Labcorp Genetics (formerly Invitae), Labcorp
Classification: Uncertain significance for POLD1-related polyposis and colorectal cancer syndrome. Last evaluated: 2022-09-19. Review status: criteria provided, single submitter. Criteria: Invitae Variant Classification Sherloc (09022015). Collection method: clinical testing. Allele origin: germline.
Comment: In summary, the available evidence is currently insufficient to determine the role of this variant in disease. Therefore, it has been classified as a Variant of Uncertain Significance. Advanced modeling of protein sequence and biophysical properties (such as structural, functional, and spatial information, amino acid conservation, physicochemical variation, residue mobility, and thermodynamic stability) performed at Invitae indicates that this missense variant is expected to disrupt POLD1 protein function. This variant has not been reported in the literature in individuals affected with POLD1-related conditions. This variant is not present in population databases (gnomAD no frequency). This sequence change replaces proline, which is neutral and non-polar, with leucine, which is neutral and non-polar, at codon 972 of the POLD1 protein (p.Pro972Leu).

NM_002691.4(POLD1):c.2915C>T (p.Pro972Leu)

Gene: POLD1 (DNA polymerase delta 1, catalytic subunit; plus strand). Cytogenetic location: 19q13.33.
Variant type: single nucleotide variant.
Coding change: c.2915C>T on transcript NM_002691.4 (MANE Select); coding-DNA position 2915, C replaced by T.
Protein change: p.Pro972Leu; replaces proline 972 with leucine.
Molecular consequence: missense variant. On other transcripts: non-coding transcript variant (1).
Genome position (GRCh38, 1-based): chr19:50,416,490, C>T. VCF-style: chr19-50416490-C-T. GRCh37 (hg19) VCF-style: chr19-50919747-C-T.
Other names: c.2915C>T, p.Pro972Leu (NM_001256849.1); c.2993C>T, p.Pro998Leu (NM_001308632.1); short protein forms P972L, P998L.
Identifiers: ClinVar variation 1719767 (VCV001719767.5), dbSNP rs2122491955, ClinGen allele CA406986582.